The following is an entry in ClinVar:

NM_001148.6(ANK2):c.2663G>A (p.Arg888Gln)

Gene: ANK2 (ankyrin 2; plus strand). Cytogenetic location: 4q26.
Variant type: single nucleotide variant.
Coding change: c.2663G>A on transcript NM_001148.6 (MANE Select); coding-DNA position 2663, G replaced by A.
Protein change: p.Arg888Gln; replaces arginine 888 with glutamine.
Molecular consequence: missense variant.
Genome position (GRCh38, 1-based): chr4:113,311,369, G>A. VCF-style: chr4-113311369-G-A. GRCh37 (hg19) VCF-style: chr4-114232525-G-A.
Other names: c.2600G>A, p.Arg867Gln (NM_001127493.3, NM_001354239.2, NM_001354243.2 and 10 more transcripts); c.2663G>A, p.Arg888Gln (NM_001354225.2, NM_001354228.2, NM_001354232.2 and 6 more transcripts); c.2708G>A, p.Arg903Gln (NM_001354230.2, NM_001354231.2, NM_001354237.2 and 5 more transcripts); c.2564G>A, p.Arg855Gln (NM_001354245.2, NM_001354268.2); c.2576G>A, p.Arg859Gln (NM_001354249.2, NM_001354264.2, NM_001354266.2 and 10 more transcripts); c.2501G>A, p.Arg834Gln (NM_001354253.2, NM_001354257.2, NM_001354270.2 and 1 more transcripts); c.2477G>A, p.Arg826Gln (NM_001354260.2, NM_001354271.2, NM_001386151.1); c.2621G>A, p.Arg874Gln (NM_001354261.2, NM_001386147.1, NM_001386160.1); and 9 more; short protein forms R760Q, R818Q, R834Q, R855Q, R923Q, R826Q, R867Q, R903Q.
Identifiers: ClinVar variation 1980041 (VCV001980041.4), dbSNP rs772853667, ClinGen allele CA357927413.

ClinVar aggregate classification (germline): Uncertain significance (1 of 4 stars; one submission).

Conditions:
Long QT syndrome (LQTS). Identifiers: MedGen C0023976, MeSH D008133, MONDO:0002442. Disease mechanism: loss of function. Inheritance: Various modes of inheritance.

Allele frequency attached by ClinVar (database versions not stated): TOPMed below 0.00001; gnomAD 0.00001.
gnomAD v4.1: 7 of 1,613,980 alleles (0.00043%); highest among the groups gnomAD compares: Admixed American, 0.0017%; no homozygotes.

Submission:

Labcorp Genetics (formerly Invitae), Labcorp
Classification: Uncertain significance for Long QT syndrome. Last evaluated: 2022-04-02. Review status: criteria provided, single submitter. Criteria: Invitae Variant Classification Sherloc (09022015). Collection method: clinical testing. Allele origin: germline.
Comment: In summary, the available evidence is currently insufficient to determine the role of this variant in disease. Therefore, it has been classified as a Variant of Uncertain Significance. Algorithms developed to predict the effect of missense changes on protein structure and function are either unavailable or do not agree on the potential impact of this missense change (SIFT: "Deleterious"; PolyPhen-2: "Possibly Damaging"; Align-GVGD: "Class C0"). This variant has not been reported in the literature in individuals affected with ANK2-related conditions. This variant is not present in population databases (gnomAD no frequency). This sequence change replaces arginine, which is basic and polar, with glutamine, which is neutral and polar, at codon 888 of the ANK2 protein (p.Arg888Gln).